The following is an entry in ClinVar:

ClinVar aggregate classification (germline): Uncertain significance (1 of 4 stars; one submission).

Allele frequency attached by ClinVar (database versions not stated): gnomAD 0.00002; TOPMed 0.00003.

Submission:

Labcorp Genetics (formerly Invitae), Labcorp
Classification: Uncertain significance. Last evaluated: 2025-12-18. Review status: criteria provided, single submitter. Criteria: Invitae Variant Classification Sherloc (09022015). Collection method: clinical testing. Allele origin: germline.
Comment: This sequence change replaces glutamine, which is neutral and polar, with leucine, which is neutral and non-polar, at codon 61 of the TUBGCP4 protein (p.Gln61Leu). This variant is present in population databases (rs755297629, gnomAD 0.08%). This variant has not been reported in the literature in individuals affected with TUBGCP4-related conditions. ClinVar contains an entry for this variant (Variation ID: 1488981). Invitae Evidence Modeling of protein sequence and biophysical properties (such as structural, functional, and spatial information, amino acid conservation, physicochemical variation, residue mobility, and thermodynamic stability) indicates that this missense variant is not expected to disrupt TUBGCP4 protein function with a negative predictive value of 80%. In summary, the available evidence is currently insufficient to determine the role of this variant in disease. Therefore, it has been classified as a Variant of Uncertain Significance.

NM_014444.5(TUBGCP4):c.182A>T (p.Gln61Leu)

Gene: TUBGCP4 (tubulin gamma complex component 4; plus strand). Cytogenetic location: 15q15.3.
Variant type: single nucleotide variant.
Coding change: c.182A>T on transcript NM_014444.5 (MANE Select); coding-DNA position 182, A replaced by T.
Protein change: p.Gln61Leu; replaces glutamine 61 with leucine.
Molecular consequence: missense variant.
Genome position (GRCh38, 1-based): chr15:43,376,201, A>T. VCF-style: chr15-43376201-A-T. GRCh37 (hg19) VCF-style: chr15-43668399-A-T.
Other names: c.182A>T, p.Gln61Leu (NM_001286414.3); short protein forms Q61L.
Identifiers: ClinVar variation 1488981 (VCV001488981.6), dbSNP rs755297629, ClinGen allele CA7523678.